The following is an entry in ClinVar:

NM_000540.3(RYR1):c.13909A>G (p.Thr4637Ala)

Gene: RYR1 (ryanodine receptor 1; plus strand). Cytogenetic location: 19q13.2.
Variant type: single nucleotide variant.
Coding change: c.13909A>G on transcript NM_000540.3 (MANE Select); coding-DNA position 13909, A replaced by G.
Protein change: p.Thr4637Ala; replaces threonine 4637 with alanine.
Molecular consequence: missense variant.
Genome position (GRCh38, 1-based): chr19:38,572,181, A>G. VCF-style: chr19-38572181-A-G. GRCh37 (hg19) VCF-style: chr19-39062821-A-G.
Other names: c.13894A>G, p.Thr4632Ala (NM_001042723.2); short protein forms T4637A, T4632A.
Identifiers: ClinVar variation 12992 (VCV000012992.12), dbSNP rs118192166, ClinGen allele CA024078.

ClinVar aggregate classification (germline): Pathogenic/Likely pathogenic. Review status: criteria provided, multiple submitters, no conflicts (2 of 4 stars). 6 submissions from 6 submitters: Pathogenic (3); Likely pathogenic (1). 2 of the submissions do not count toward it. Last evaluated 2025-11-03.

Conditions:
RYR1-related disorder. Also called: RYR1-related disorders; RYR1-related condition. Identifiers: MedGen CN239331.
Malignant hyperthermia of anesthesia. Also called: Anesthesic-triggered malignant hyperthermia. Identifiers: Orphanet 423, MedGen C0024591, MONDO:0018493, HP:0034733.
Central core myopathy (CMYO1A). Also called: CONGENITAL MYOPATHY 1A, AUTOSOMAL DOMINANT, WITH SUSCEPTIBILITY TO MALIGNANT HYPERTHERMIA; Central core disease; Myopathy, central fibrillar. Identifiers: Orphanet 597, MedGen C5830701, MONDO:0007294, OMIM 117000.

Submissions (6):

Labcorp Genetics (formerly Invitae), Labcorp
Classification: Pathogenic for RYR1-related disorder. Last evaluated: 2025-11-03. Review status: criteria provided, single submitter. Criteria: Invitae Variant Classification Sherloc (09022015). Collection method: clinical testing. Allele origin: germline.
Comment: This sequence change replaces threonine, which is neutral and polar, with alanine, which is neutral and non-polar, at codon 4637 of the RYR1 protein (p.Thr4637Ala). This variant is not present in population databases (gnomAD no frequency). This missense change has been observed in individuals with autosomal dominant congenital myopathy (PMID: 11113224, 35693006; internal data). It has also been observed to segregate with disease in related individuals. ClinVar contains an entry for this variant (Variation ID: 12992). Invitae Evidence Modeling of protein sequence and biophysical properties (such as structural, functional, and spatial information, amino acid conservation, physicochemical variation, residue mobility, and thermodynamic stability) indicates that this missense variant is not expected to disrupt RYR1 protein function with a negative predictive value of 80%. This variant disrupts the p.Thr4637 amino acid residue in RYR1. Other variant(s) that disrupt this residue have been determined to be pathogenic (PMID: 12565913; internal data). This suggests that this residue is clinically significant, and that variants that disrupt this residue are likely to be disease-causing. For these reasons, this variant has been classified as Pathogenic.

Women's Health and Genetics/Laboratory Corporation of America, LabCorp
Classification: Pathogenic for Malignant hyperthermia of anesthesia. Last evaluated: 2022-01-06. Review status: criteria provided, single submitter. Criteria: LabCorp Variant Classification Summary - May 2015. Collection method: clinical testing. Allele origin: germline.
Comment: Variant summary: RYR1 c.13909A>G (p.Thr4637Ala) results in a non-conservative amino acid change located in the Ryanodine Receptor TM 4-6 domain (IPR009460, residues 4383-4671) of the encoded protein sequence. Four of five in-silico tools predict a damaging effect of the variant on protein function. The variant was absent in 251678 control chromosomes (gnomAD and publication data). c.13909A>G has been reported in the literature in multiple individuals with an autosomal dominant congenital myopathy that shows clinical and histologic features of both central core disease and nemaline rod myopathy and this variant co-segregated with the disease in one family (Scacheri_2000). These data indicate that the variant is very likely to be associated with disease. To our knowledge, no experimental evidence demonstrating an impact on protein function has been reported. Other variants (p.T4637I, P.T4637K) that disrupt the same residue have been found in affected individuals (PMID: 12565913, PMID: 33333461) and p.T4637I has been classified as pathogenic in ClinVar database, suggesting that the threonine residue is critical for RYR1 protein function. Additionally, other missense variants nearby this residue at the same domain were reported in patients with Central core disease/Myopathy in HGMD. Two ClinVar submitters (evaluation after 2014) cite the variant as pathogenic and likely pathogenic. Based on the evidence outlined above, the variant was classified as pathogenic.

GeneDx
Classification: Likely pathogenic. Last evaluated: 2019-01-11. Review status: criteria provided, single submitter. Criteria: GeneDx Variant Classification (06012015). Collection method: clinical testing. Allele origin: germline. Affected: yes.
Comment: The T4637A variant in the RYR1 gene has been reported previously in the heterozygous state in affected individuals of a family with congenital myopathy that showed clinical and histologic features of central core disease and nemaline myopathy (Scacheri et al., 2000). The T4637A variant was not observed in approximately 6,500 individuals of European and African American ancestry in the NHLBI Exome Sequencing Project, indicating it is not a common benign variant in these populations. The T4637A variant is a non-conservative amino acid substitution, which is likely to impact secondary protein structure as these residues differ in polarity, charge, size and/or other properties. This substitution occurs at a position that is conserved across species. In silico analysis is inconsistent in its predictions as to whether or not the variant is damaging to the protein structure/function. Missense variants in the same and nearby residues (E4634K, E4635Q, T4637I, G4638S, G4638D) have been reported in the Human Gene Mutation Database in association with RYR1-related disorders (Stenson et al., 2014), supporting the functional importance of this region of the protein. The T4637A variant is a strong candidate for a pathogenic variant, however the possibility it may be a rare benign variant cannot be excluded.

PreventionGenetics, part of Exact Sciences
Classification: Pathogenic. Last evaluated: 2016-03-09. Review status: criteria provided, single submitter. Criteria: ACMG Guidelines, 2015. Collection method: clinical testing. Allele origin: germline.

OMIM
Classification: Pathogenic for CONGENITAL MYOPATHY 1A, AUTOSOMAL DOMINANT. Last evaluated: 2000-12-12. Review status: no assertion criteria provided. Collection method: literature only. Allele origin: germline. Not counted in ClinVar's aggregate classification.

RYR1 database
No classification provided. Review status: no classification provided. Collection method: not provided. Allele origin: unknown. Not counted in ClinVar's aggregate classification.

Literature cited by the submitters: PubMed 11113224 (cited by 3 submitters); PubMed 35693006 (cited by Labcorp Genetics (formerly Invitae), Labcorp); PubMed 12565913 (cited by Labcorp Genetics (formerly Invitae), Labcorp and Women's Health and Genetics/Laboratory Corporation of America, LabCorp); PubMed 11274444 (cited by Women's Health and Genetics/Laboratory Corporation of America, LabCorp); PubMed 12161072 (cited by Women's Health and Genetics/Laboratory Corporation of America, LabCorp); PubMed 12208234 (cited by Women's Health and Genetics/Laboratory Corporation of America, LabCorp); PubMed 14985404 (cited by Women's Health and Genetics/Laboratory Corporation of America, LabCorp).